The following is an entry in ClinVar:

ClinVar aggregate classification (germline): Uncertain significance (1 of 4 stars; one submission).

gnomAD v4.1: 3 of 1,614,228 alleles (0.00019%); highest among the groups gnomAD compares: South Asian, 0.0033%; no homozygotes.

Submission:

GeneDx
Classification: Uncertain significance. Last evaluated: 2024-06-24. Review status: criteria provided, single submitter. Criteria: GeneDx Variant Classification Process June 2021. Collection method: clinical testing. Allele origin: germline. Affected: yes.
Comment: Not observed at significant frequency in large population cohorts (gnomAD); In silico analysis indicates that this missense variant does not alter protein structure/function; Has not been previously published as pathogenic or benign to our knowledge

NM_145207.3(AFG2A):c.881A>C (p.Glu294Ala)

Gene: AFG2A (AFG2 AAA ATPase homolog A; plus strand). Cytogenetic location: 4q28.1.
Variant type: single nucleotide variant.
Coding change: c.881A>C on transcript NM_145207.3 (MANE Select); coding-DNA position 881, A replaced by C.
Protein change: p.Glu294Ala; replaces glutamic acid 294 with alanine.
Molecular consequence: missense variant.
Genome position (GRCh38, 1-based): chr4:122,934,472, A>C. VCF-style: chr4-122934472-A-C. GRCh37 (hg19) VCF-style: chr4-123855627-A-C.
Other names: c.878A>C, p.Glu293Ala (NM_001317799.2, NM_001345856.2); short protein forms E293A, E294A.
Identifiers: ClinVar variation 3392682 (VCV003392682.1).